The following is an entry in ClinVar:

ClinVar aggregate classification (germline): Benign/Likely benign. Review status: criteria provided, multiple submitters, no conflicts (2 of 4 stars). 2 submissions from 2 submitters: Benign (1); Likely benign (1). Last evaluated 2026-01-24.

Conditions:
Immunodeficiency 132A. Also called: Herpes simplex encephalitis, susceptibility to, 3. Identifiers: Orphanet 1930, MedGen C3553868, MONDO:0013920, OMIM 614849.

Allele frequency attached by ClinVar (database versions not stated): TOPMed 0.00041; ESP Exome Variant Server 0.00062; ExAC 0.00227; gnomAD 0.00220 and 0.00214; 1000 Genomes Project 0.00100; gnomAD exomes 0.00121 and 0.00239; 1000 Genomes Project 30x 0.00094.
gnomAD v4.1: 2,094 of 1,613,466 alleles (0.13%); highest among the groups gnomAD compares: South Asian, 0.21%; 17 homozygotes.

Submissions (2):

Labcorp Genetics (formerly Invitae), Labcorp
Classification: Benign for Immunodeficiency 132A. Last evaluated: 2026-01-24. Review status: criteria provided, single submitter. Criteria: Invitae Variant Classification Sherloc (09022015). Collection method: clinical testing. Allele origin: germline.

CeGaT Center for Human Genetics Tuebingen
Classification: Likely benign. Last evaluated: 2022-04-01. Review status: criteria provided, single submitter. Criteria: CeGaT Center For Human Genetics Tuebingen Variant Classification Criteria Version 2. Collection method: clinical testing. Allele origin: germline. Affected: yes. Observed: 1 variant allele.
Comment: TRAF3: BP4, BP7

NM_145725.3(TRAF3):c.1689G>A (p.Ser563=)

Gene: TRAF3 (TNF receptor associated factor 3; plus strand). Cytogenetic location: 14q32.32.
Variant type: single nucleotide variant.
Coding change: c.1689G>A on transcript NM_145725.3 (MANE Select); coding-DNA position 1689, G replaced by A.
Protein change: p.Ser563=; no amino-acid change (serine 563 retained).
Molecular consequence: synonymous variant.
Genome position (GRCh38, 1-based): chr14:102,905,766, G>A. VCF-style: chr14-102905766-G-A. GRCh37 (hg19) VCF-style: chr14-103372103-G-A.
Other names: c.1440G>A, p.Ser480= (NM_001199427.2); c.1548G>A, p.Ser516= (NM_001385142.1); c.1608G>A, p.Ser536= (NM_001385143.1); c.1689G>A, p.Ser563= (NM_003300.4); c.1614G>A, p.Ser538= (NM_145726.3).
Identifiers: ClinVar variation 788737 (VCV000788737.35), dbSNP rs148195281, ClinGen allele CA7359641.